The following is an entry in ClinVar:

ClinVar aggregate classification (germline): Uncertain significance (1 of 4 stars; one submission).

Conditions:
Tuberous sclerosis 2 (TSC2). Identifiers: Orphanet 805, MedGen C1860707, MONDO:0013199, OMIM 613254.
Isolated focal cortical dysplasia type II (FCORD2). Also called: CORTICAL DYSPLASIA OF TAYLOR; Focal cortical dysplasia type II. Identifiers: Orphanet 268994, MedGen C1846385, MONDO:0011818, OMIM 607341, HP:0032051.
Lymphangiomyomatosis (LAM). Also called: Lymphangioleiomyomatosis; Lymphangioleiomyomatosis, somatic. Identifiers: Orphanet 538, MedGen C0751674, MONDO:0011705, OMIM 606690.

gnomAD v4.1: 1 of 1,612,398 alleles (0.000062%); highest among the groups gnomAD compares: African/African-American, 0.0013%; no homozygotes.

Submission:

Juno Genomics, Hangzhou Juno Genomics, Inc
Classification: Uncertain significance for Tuberous sclerosis 2; Isolated focal cortical dysplasia type II; Lymphangiomyomatosis. Review status: criteria provided, single submitter. Criteria: ACMG Guidelines, 2015. Collection method: clinical testing. Allele origin: germline.
Comment: Absent from controls (or at extremely low frequency if recessive) in Genome Aggregation Database.;Multiple lines of computational evidence support a deleterious effect on the gene or gene product.

NM_000548.5(TSC2):c.4690A>G (p.Asn1564Asp)

Gene: TSC2 (TSC complex subunit 2; plus strand). Cytogenetic location: 16p13.3.
Variant type: single nucleotide variant.
Coding change: c.4690A>G on transcript NM_000548.5 (MANE Select); coding-DNA position 4690, A replaced by G.
Protein change: p.Asn1564Asp; replaces asparagine 1564 with aspartic acid.
Molecular consequence: missense variant. On other transcripts: non-coding transcript variant (5).
Genome position (GRCh38, 1-based): chr16:2,086,220, A>G. VCF-style: chr16-2086220-A-G. GRCh37 (hg19) VCF-style: chr16-2136221-A-G.
Other names: c.4489A>G, p.Asn1497Asp (NM_001077183.3); c.4621A>G, p.Asn1541Asp (NM_001114382.3); c.4381A>G, p.Asn1461Asp (NM_001318827.2); c.4345A>G, p.Asn1449Asp (NM_001318829.2); c.3958A>G, p.Asn1320Asp (NM_001318831.2); c.4522A>G, p.Asn1508Asp (NM_001318832.2); c.4492A>G, p.Asn1498Asp (NM_001363528.2); c.4558A>G, p.Asn1520Asp (NM_001370404.1); and 26 more; short protein forms N1049D, N1050D, N1072D, N1073D, N1093D, N1297D, N1298D, N1320D.
Identifiers: ClinVar variation 5018678 (VCV005018678.2).